The following is an entry in ClinVar:

NM_001267550.2(TTN):c.63203del (p.Pro21068fs)

Genes: TTN (titin; minus strand), TTN-AS1 (TTN antisense RNA 1; plus strand). Cytogenetic location: 2q31.2.
Variant type: Deletion.
Coding change: c.63203del on transcript NM_001267550.2 (MANE Select); coding-DNA position 63203, one base deleted (C; older notation c.63203delC).
Protein change: p.Pro21068fs; shifts the reading frame from proline 21068.
Molecular consequence: frameshift variant.
Genome position (GRCh38, 1-based): chr2:178,588,204, G deleted on the plus strand (C on the coding strand, the reverse complement: TTN is on the minus strand); the first of 2 consecutive G bases (chr2:178,588,204-178,588,205); deleting either gives the same sequence. VCF-style (leftmost placement, unchanged base first): chr2-178588203-TG-T. GRCh37 (hg19) VCF-style: chr2-179452930-TG-T.
Other names: c.58280delC (NM_001256850.1); c.58280del, p.Pro19427fs (NM_001256850.1); c.36008del, p.Pro12003fs (NM_003319.4); c.55499del, p.Pro18500fs (NM_133378.4); c.36383del, p.Pro12128fs (NM_133432.3); c.36584del, p.Pro12195fs (NM_133437.4); short protein forms P12195fs, P12128fs, P19427fs, P12003fs, P18500fs, P21068fs.
Identifiers: ClinVar variation 202455 (VCV000202455.1), dbSNP rs794729328, ClinGen allele CA309417.
Genomic context (GRCh38, chr2:178,588,203, plus strand): 5'-TGGTTTTCCCCACCCAAGAGTTATGGAATGTTTGGTTGTATCAACCACTCTGAAATTGGT[TG>T]GTGGACCAGGTGGCTCTGAAAGTAAAATATACATATAGTTAACTACTACTAGTGATACTT-3'

ClinVar aggregate classification (germline): Pathogenic (1 of 4 stars; one submission).

Submission:

GeneDx
Classification: Pathogenic. Last evaluated: 2014-04-28. Review status: criteria provided, single submitter. Criteria: GeneDx Variant Classification (06012015). Collection method: clinical testing. Allele origin: germline. Affected: yes.
Comment: c.58280delC: p.Pro19427GlnfsX14 (P19427QfsX14) in exon 255 of the TTN gene (NM_001256850.1). The normal sequence with the base that is deleted in braces is: CCAC{C}AACC. Truncating mutations in the TTN gene are expected to account for approximately 25% of familial and 18% of sporadic idiopathic DCM (Herman D et al., 2012). However, truncating variants in the TTN gene have been reported in approximately 3% of reported control alleles (Herman D et al., 2012). TTN mutations may also be associated with congenital cardiac and skeletal myopathies, hereditary myopathy with early respiratory failure, tibial muscular dystrophy, and limb-girdle muscular dystrophy (Lange S et al., 2005; Hackman P et al., 2002; Carmignac V et al., 2007; Hackman P et al., 2008). Although the c.58280delC mutation in the TTN gene has not been reported to our knowledge, this mutation causes a shift in reading frame starting at codon Proline 19427, changing it to a Glutamine, and creating a premature stop codon at position 14 of the new reading frame, denoted p.Pro19427GlnfsX14. This mutation is expected to result in either an abnormal, truncated protein product or loss of protein from this allele through nonsense-mediated mRNA decay. Other truncating TTN variants have been reported in approximately 3% of control alleles (Herman et al., 2012). However, c.58280delC is located in the A-band region of titin, where the majority of truncating mutations associated with DCM have been reported (Herman et al., 2012). In summary, c.58280delC in the TTN gene is interpreted as a disease-causing mutation. The variant is found in CARDIOMYOPATHY panel(s).